The following is an entry in ClinVar:

NM_000432.4(MYL2):c.82G>A (p.Glu28Lys)

Genes: MYL2 (myosin light chain 2; minus strand), LOC114827850 (VISTA enhancer hs2149; plus strand). Cytogenetic location: 12q24.11.
Variant type: single nucleotide variant.
Coding change: c.82G>A on transcript NM_000432.4 (MANE Select); coding-DNA position 82, G replaced by A.
Protein change: p.Glu28Lys; replaces glutamic acid 28 with lysine.
Molecular consequence: missense variant.
Genome position (GRCh38, 1-based): chr12:110,919,115, C>T on the plus strand (G>A on the coding strand, the complement: MYL2 is on the minus strand). VCF-style: chr12-110919115-C-T. GRCh37 (hg19) VCF-style: chr12-111356919-C-T.
Other names: short protein forms E28K.
Identifiers: ClinVar variation 43482 (VCV000043482.5), dbSNP rs397516409, ClinGen allele CA010532.

ClinVar aggregate classification (germline): Uncertain significance (1 of 4 stars; one submission).

Submission:

Laboratory for Molecular Medicine, Mass General Brigham Personalized Medicine
Classification: Uncertain significance. Last evaluated: 2012-04-12. Review status: criteria provided, single submitter. Criteria: LMM Criteria. Collection method: clinical testing. Allele origin: germline. Observed: 1 variant allele.
Comment: Variant classified as Uncertain Significance - Favor Pathogenic. The Glu28Lys va riant in MYL2 has not been reported in the literature nor previously identified in >2300 individuals (>1400 Caucasian) tested by our laboratory. This low freque ncy supports a pathogenic role. Glutamic acid (Glu) at position 28 is highly con served in mammals and across evolutionarily distant species and the change to Ly sine (Lys) was predicted to be pathogenic using a computational tool, which was validated by our laboratory using a set of cardiomyopathy variants with well-est ablished clinical significance. This tool's pathogenic prediction is estimated t o be correct 94% of the time (Jordan 2011). Although this data suggests that the Glu28Lys variant may be pathogenic, additional studies are needed to fully asse ss its clinical significance.